The following is an entry in ClinVar:

ClinVar aggregate classification (germline): Conflicting classifications of pathogenicity. Review status: criteria provided, conflicting classifications (1 of 4 stars). 5 submissions from 5 submitters: Pathogenic (1); Likely pathogenic (2); Uncertain significance (2). Last evaluated 2026-01-24.

Conditions:
Glycogen storage disease IV, classic hepatic. Also called: GSD IV, CLASSIC HEPATIC. Identifiers: MedGen C1856301.
Glycogen storage disease, type IV (GSD4). Also called: CIRRHOSIS, FAMILIAL, WITH DEPOSITION OF ABNORMAL GLYCOGEN; GBE1 DEFICIENCY; GLYCOGEN BRANCHING ENZYME DEFICIENCY; GLYCOGENOSIS IV; GSD IV; Glycogen storage disease due to glycogen branching enzyme deficiency. Identifiers: Orphanet 367, MedGen C0017923, MONDO:0009292, OMIM 232500.
Adult polyglucosan body disease (APBN). Also called: POLYGLUCOSAN BODY DISEASE, ADULT FORM; GBE1-Adult Polyglucosan Body Disease. Identifiers: Orphanet 206583, MedGen C1849722, MONDO:0009897, OMIM 263570.

Allele frequency attached by ClinVar (database versions not stated): gnomAD 0.00001; gnomAD exomes 0.00001 and 0.00002; TOPMed 0.00001; ExAC 0.00003.
gnomAD v4.1: 9 of 1,612,826 alleles (0.00056%); highest among the groups gnomAD compares: South Asian, 0.0022%; no homozygotes.

Submissions (5):

Labcorp Genetics (formerly Invitae), Labcorp
Classification: Pathogenic for Glycogen storage disease, type IV; Glycogen storage disease IV, classic hepatic. Last evaluated: 2026-01-24. Review status: criteria provided, single submitter. Criteria: Invitae Variant Classification Sherloc (09022015). Collection method: clinical testing. Allele origin: germline.
Comment: This sequence change replaces histidine, which is basic and polar, with tyrosine, which is neutral and polar, at codon 319 of the GBE1 protein (p.His319Tyr). This variant is present in population databases (rs767100121, gnomAD 0.006%). This missense change has been observed in individual(s) with GBE1-related conditions (PMID: 23266647). ClinVar contains an entry for this variant (Variation ID: 1341392). Invitae Evidence Modeling of protein sequence and biophysical properties (such as structural, functional, and spatial information, amino acid conservation, physicochemical variation, residue mobility, and thermodynamic stability) indicates that this missense variant is expected to disrupt GBE1 protein function with a positive predictive value of 95%. This variant disrupts the p.His319 amino acid residue in GBE1. Other variant(s) that disrupt this residue have been determined to be pathogenic (PMID: 23218673). This suggests that this residue is clinically significant, and that variants that disrupt this residue are likely to be disease-causing. For these reasons, this variant has been classified as Pathogenic.

Myriad Genetics, Inc.
Classification: Uncertain significance for Glycogen storage disease, type IV. Last evaluated: 2025-12-02. Review status: criteria provided, single submitter. Criteria: Myriad Autosomal Dominant, Autosomal Recessive and X-Linked Classification Criteria (2023). Collection method: clinical testing. Allele origin: unknown.
Comment: NM_000158.3(GBE1):c.955C>T(H319Y) is a missense variant classified as a variant of uncertain significance in the context of glycogen storage disease, GBE1-related. H319Y has been observed in cases with relevant disease (PMID: 23266647, 38012812). Relevant functional assessments of this variant are not available in the literature. H319Y has been observed in referenced population frequency databases. In summary, there is insufficient evidence to classify NM_000158.3(GBE1):c.955C>T(H319Y) as pathogenic or benign. Please note: this variant was assessed in the context of healthy population screening.

Women's Health and Genetics/Laboratory Corporation of America, LabCorp
Classification: Likely pathogenic for Glycogen storage disease, type IV. Last evaluated: 2025-06-06. Review status: criteria provided, single submitter. Criteria: LabCorp Variant Classification Summary - May 2015. Collection method: clinical testing. Allele origin: germline.
Comment: Variant summary: GBE1 c.955C>T (p.His319Tyr) results in a conservative amino acid change in the encoded protein sequence. Algorithms developed to predict the effect of missense changes on protein structure and function are either unavailable or do not agree on the potential impact of this missense change. The variant allele was found at a frequency of 2e-05 in 248728 control chromosomes. c.955C>T has been reported in the literature in individuals affected with Glycogen Storage Disease, Type IV (Dainese_2013, Lefvre_2014). Additionally, another missense variant affecting the same codon c.956A>G (p.His319Arg) has been observed in individuals with Glycogen Storage Disease, supporting the functional importance of this residue of the protein. These data indicate that the variant is likely to be associated with disease. To our knowledge, no experimental evidence demonstrating an impact on protein function has been reported. The following publications have been ascertained in the context of this evaluation (PMID: 23266647, 26199317, 38012812, 29379554). ClinVar contains an entry for this variant (Variation ID: 1341392). Based on the evidence outlined above, the variant was classified as likely pathogenic.

Natera, Inc.
Classification: Likely pathogenic for Glycogen storage disease type IV. Last evaluated: 2024-03-29. Review status: criteria provided, single submitter. Criteria: Natera Variant Classification Schema (03/2026). Collection method: clinical testing. Allele origin: germline.
Comment: The c.955C>T variant in GBE1 is a missense variant predicted to cause substitution of histidine to tyrosine at amino acid 319. This variant is rare in the general population with a frequency below the threshold expected for the associated phenotype(s). This variant has been observed in one or more individuals affected with the associated recessive disease, as either homozygous or compound heterozygous with a second variant (PMID: 23266647). A different variant at the same position has been determined to be Pathogenic or Likely Pathogenic. Computational prediction algorithms indicate this variant is likely to affect gene or protein function. Given the available evidence, this variant is classified as Likely Pathogenic.

Broad Center for Mendelian Genomics, Broad Institute of MIT and Harvard
Classification: Uncertain significance for Adult polyglucosan body disease. Last evaluated: 2022-01-27. Review status: criteria provided, single submitter. Criteria: ACMG Guidelines, 2015. Collection method: curation. Allele origin: germline. Inheritance: Autosomal recessive inheritance.
Comment: The p.His319Tyr variant in GBE1 has been reported in 1 individual, in the compound heterozygous state, with adult polyglucosan body disease (APBD) (PMID: 23266647) and has been identified in 0.007% (2/30592) of South Asian chromosomes by the Genome Aggregation Database (gnomAD; dbSNP ID: rs767100121). Although this variant has been seen in the general population in a heterozygous state, its frequency is low enough to be consistent with a recessive carrier frequency. Computational prediction tools and conservation analyses suggest that this variant may impact the protein, though this information is not predictive enough to determine pathogenicity. In summary, the clinical significance of the p.His319Tyr variant is uncertain. ACMG/AMP Criteria applied: PP3, PM2_supporting (Richards 2015).

Literature cited by the submitters: PubMed 23266647 (cited by 4 submitters); PubMed 23218673 (cited by Labcorp Genetics (formerly Invitae), Labcorp); PubMed 38012812 (cited by Myriad Genetics, Inc. and Women's Health and Genetics/Laboratory Corporation of America, LabCorp); PubMed 26199317 (cited by Women's Health and Genetics/Laboratory Corporation of America, LabCorp); PubMed 29379554 (cited by Women's Health and Genetics/Laboratory Corporation of America, LabCorp).

NM_000158.4(GBE1):c.955C>T (p.His319Tyr)

Gene: GBE1 (1,4-alpha-glucan branching enzyme 1; minus strand). Cytogenetic location: 3p12.2.
Variant type: single nucleotide variant.
Coding change: c.955C>T on transcript NM_000158.4 (MANE Select); coding-DNA position 955, C replaced by T.
Protein change: p.His319Tyr; replaces histidine 319 with tyrosine.
Molecular consequence: missense variant.
Genome position (GRCh38, 1-based): chr3:81,642,818, G>A on the plus strand (C>T on the coding strand, the complement: GBE1 is on the minus strand). VCF-style: chr3-81642818-G-A. GRCh37 (hg19) VCF-style: chr3-81691969-G-A.
Other names: NM_000158.4:c.955C>T; c.955C>T (NM_000158.3); short protein forms H319Y.
Identifiers: ClinVar variation 1341392 (VCV001341392.12), dbSNP rs767100121, ClinGen allele CA2499832.